The following is an entry in ClinVar:

NM_001267550.2(TTN):c.87273dup (p.Asn29092Ter)

Genes: TTN-AS1 (TTN antisense RNA 1; plus strand), TTN (titin; minus strand). Cytogenetic location: 2q31.2.
Variant type: Duplication.
Coding change: c.87273dup on transcript NM_001267550.2 (MANE Select); coding-DNA position 87273, one base duplicated (T; older notation c.87273dupT).
Protein change: p.Asn29092Ter; replaces asparagine 29092 with a stop codon.
Molecular consequence: nonsense.
Genome position (GRCh38, 1-based): chr2:178,558,081, A duplicated on the plus strand (T on the coding strand, the reverse complement: TTN is on the minus strand); the first of 3 consecutive A bases (chr2:178,558,081-178,558,083); duplicating any one gives the same sequence. VCF-style (leftmost placement, unchanged base first): chr2-178558080-T-TA. GRCh37 (hg19) VCF-style: chr2-179422807-T-TA.
Other names: c.82350dup, p.Asn27451Ter (NM_001256850.1); c.60078dup, p.Asn20027Ter (NM_003319.4); c.79569dup, p.Asn26524Ter (NM_133378.4); c.60453dup, p.Asn20152Ter (NM_133432.3); c.60654dup, p.Asn20219Ter (NM_133437.4); short protein forms N20027*, N20152*, N26524*, N29092*, N20219*, N27451*.
Identifiers: ClinVar variation 2950341 (VCV002950341.3), dbSNP rs2469556380, ClinGen allele CA2740096007.
Genomic context (GRCh38, chr2:178,558,080, plus strand): 5'-CGTCAGCTGTAACACTTTCTTTGAGATTGATGGTCAGGTTCTCAGCAGTAATTTCGGTAT[T>TA]AAATCTCATGGTTGCCTTAAGGGGGACACCATCTCTTGATAAGGTCACTTTGGGAAGTGG-3'

ClinVar aggregate classification (germline): Likely pathogenic (1 of 4 stars; one submission).

Conditions:
Dilated cardiomyopathy 1G (CMD1G). Identifiers: Orphanet 154, MedGen C1858763, MONDO:0011400, OMIM 604145.
Autosomal recessive limb-girdle muscular dystrophy type 2J (LGMDR10). Also called: Limb-girdle muscular dystrophy, type 2J; MUSCULAR DYSTROPHY, LIMB-GIRDLE, AUTOSOMAL RECESSIVE 10. Identifiers: Orphanet 140922, MedGen C1837342, MONDO:0012127, OMIM 608807.

Submission:

Labcorp Genetics (formerly Invitae), Labcorp
Classification: Likely pathogenic for Dilated cardiomyopathy 1G; Autosomal recessive limb-girdle muscular dystrophy type 2J. Last evaluated: 2023-07-26. Review status: criteria provided, single submitter. Criteria: Invitae Variant Classification Sherloc (09022015). Collection method: clinical testing. Allele origin: germline.
Comment: In summary, the currently available evidence indicates that the variant is pathogenic, but additional data are needed to prove that conclusively. Therefore, this variant has been classified as Likely Pathogenic. This variant is located in the A band of TTN (PMID: 25589632). Truncating variants in this region are significantly overrepresented in patients affected with dilated cardiomyopathy (PMID: 25589632). Truncating variants in this region have also been reported in individuals affected with autosomal recessive centronuclear myopathy (PMID: 23975875). This variant has not been reported in the literature in individuals affected with TTN-related conditions. This variant is not present in population databases (gnomAD no frequency). This sequence change creates a premature translational stop signal (p.Asn29092*) in the TTN gene. While this is not anticipated to result in nonsense mediated decay, it is expected to create a truncated TTN protein.

Literature cited by the submitters: PubMed 25589632; PubMed 23975875.